The following is an entry in ClinVar:

ClinVar aggregate classification (germline): Uncertain significance. Review status: criteria provided, multiple submitters, no conflicts (2 of 4 stars). 2 submissions from 2 submitters: Uncertain significance (2). Last evaluated 2025-06-26.

Conditions:
Cardiovascular phenotype. Identifiers: MedGen CN230736.

Allele frequency attached by ClinVar (database versions not stated): ExAC 0.00001; gnomAD 0.00001 and 0.00002; TOPMed 0.00001; gnomAD exomes 0.00002.
gnomAD v4.1: 26 of 1,613,664 alleles (0.0016%); highest among the groups gnomAD compares: East Asian, 0.0067%; no homozygotes.

Submissions (2):

GeneDx
Classification: Uncertain significance. Last evaluated: 2025-06-26. Review status: criteria provided, single submitter. Criteria: GeneDx Variant Classification Process June 2021. Collection method: clinical testing. Allele origin: germline. Affected: yes.
Comment: Has not been previously published as pathogenic or benign to our knowledge; Not observed at significant frequency in large population cohorts (gnomAD); In silico analysis supports that this missense variant has a deleterious effect on protein structure/function

Ambry Genetics
Classification: Uncertain significance for Cardiovascular phenotype. Last evaluated: 2024-01-24. Review status: criteria provided, single submitter. Criteria: Ambry Variant Classification Scheme 2023. Collection method: clinical testing. Allele origin: germline.

NM_001365276.2(TNXB):c.9064G>A (p.Gly3022Ser)

Gene: TNXB (tenascin XB; minus strand). Cytogenetic location: 6p21.33.
Variant type: single nucleotide variant.
Coding change: c.9064G>A on transcript NM_001365276.2 (MANE Select); coding-DNA position 9064, G replaced by A.
Protein change: p.Gly3022Ser; replaces glycine 3022 with serine.
Molecular consequence: missense variant.
Genome position (GRCh38, 1-based): chr6:32,052,721, C>T on the plus strand (G>A on the coding strand, the complement: TNXB is on the minus strand). VCF-style: chr6-32052721-C-T. GRCh37 (hg19) VCF-style: chr6-32020498-C-T.
Other names: c.9058G>A, p.Gly3020Ser (NM_019105.8); short protein forms G3020S, G3022S.
Identifiers: ClinVar variation 1313623 (VCV001313623.6), dbSNP rs753710096, ClinGen allele CA3733660.
Genomic context (GRCh38, chr6:32,052,721, plus strand): 5'-CTTACTCACCTGTCACACCCACAGCGGACACTGGGCCCACGCGCTGCCCCTCGTGGAGGC[C>T]GTACAGGTGCATCTTGTATTTGCACCCGGGCTCCAGGCCCCCCACGGTGACCTCGCTCTC-3'
Protein context (NP_001352205.1, residues 3012-3032): PGCKYKMHLY[Gly3022Ser]LHEGQRVGPV